The following is an entry in ClinVar:

NM_001429.4(EP300):c.2176G>A (p.Val726Ile)

Gene: EP300 (EP300 lysine acetyltransferase; plus strand). Cytogenetic location: 22q13.2.
Variant type: single nucleotide variant.
Coding change: c.2176G>A on transcript NM_001429.4 (MANE Select); coding-DNA position 2176, G replaced by A.
Protein change: p.Val726Ile; replaces valine 726 with isoleucine.
Molecular consequence: missense variant.
Genome position (GRCh38, 1-based): chr22:41,147,881, G>A. VCF-style: chr22-41147881-G-A. GRCh37 (hg19) VCF-style: chr22-41543885-G-A.
Other names: c.2098G>A, p.Val700Ile (NM_001362843.2); short protein forms V700I, V726I.
Identifiers: ClinVar variation 5002212 (VCV005002212.1).

ClinVar aggregate classification (germline): Uncertain significance (1 of 4 stars; one submission).

Conditions:
EP300-related disorder. Also called: EP300-related disorders; EP300-related condition.

Submission:

PreventionGenetics, part of Exact Sciences
Classification: Uncertain significance for EP300-related condition. Last evaluated: 2025-07-08. Review status: criteria provided, single submitter. Criteria: ACMG Guidelines, 2015. Collection method: clinical testing. Allele origin: germline.
Comment: The EP300 c.2176G>A variant is predicted to result in the amino acid substitution p.Val726Ile. To our knowledge, this variant has not been reported in the literature or in a large population database (gnomAD), indicating this variant is rare. At this time, the clinical significance of this variant is uncertain due to the absence of conclusive functional and genetic evidence.